The following is an entry in ClinVar:

ClinVar aggregate classification (germline): Pathogenic. Review status: criteria provided, multiple submitters, no conflicts (2 of 4 stars). 6 submissions from 6 submitters: Pathogenic (6). Last evaluated 2026-09-08.

Conditions:
Fabry disease. Also called: Ceramide trihexosidosis; Fabry's disease; Angiokeratoma corporis diffusum; ALPHA-GALACTOSIDASE A DEFICIENCY; ANDERSON-FABRY DISEASE; CERAMIDE TRIHEXOSIDASE DEFICIENCY. Identifiers: Orphanet 324, MedGen C0002986, MONDO:0010526, OMIM 301500, HP:0001071. Disease mechanism: Fabry disease is due to inactivating mutations in the X-linked GLA gene resulting in deficiency of the enzyme Alpha Galactosidase-A., loss of function.

Submissions (6):

Genomenon, Inc
Classification: Pathogenic for Fabry disease. Last evaluated: 2026-09-08. Review status: criteria provided, single submitter. Criteria: Genomenon Sequence Variant Interpretation Standards - Updated. Collection method: curation. Allele origin: germline. Affected: yes.
Comment: GLA p.Trp277Ter (c.830G>A) is a nonsense variant that introduces a premature stop codon at amino acid position 277 and is predicted to result in a truncated or absent protein product. This variant has been observed in at least one proband with clinical features consistent with Fabry disease (PMID:10666480;37940383). Functional or patient cell studies have been reported (PMID:10666480). It is absent or not present at a significant frequency in gnomAD. In conclusion, we classify GLA p.Trp277Ter (c.830G>A) as a pathogenic variant.

Labcorp Genetics (formerly Invitae), Labcorp
Classification: Pathogenic for Fabry disease. Last evaluated: 2025-03-03. Review status: criteria provided, single submitter. Criteria: Invitae Variant Classification Sherloc (09022015). Collection method: clinical testing. Allele origin: germline.
Comment: This sequence change creates a premature translational stop signal (p.Trp277*) in the GLA gene. It is expected to result in an absent or disrupted protein product. Loss-of-function variants in GLA are known to be pathogenic (PMID: 10666480, 12175777). This variant is not present in population databases (gnomAD no frequency). This premature translational stop signal has been observed in individual(s) with Fabry disease (PMID: 10666480). ClinVar contains an entry for this variant (Variation ID: 280973). For these reasons, this variant has been classified as Pathogenic.

Revvity Omics, Revvity
Classification: Pathogenic. Last evaluated: 2023-10-16. Review status: criteria provided, single submitter. Criteria: ACMG Guidelines, 2015. Collection method: clinical testing. Allele origin: germline.

Genome-Nilou Lab
Classification: Pathogenic for Fabry disease. Last evaluated: 2021-07-15. Review status: criteria provided, single submitter. Criteria: ACMG Guidelines, 2015. Collection method: clinical testing. Allele origin: germline. Affected: no.

Women's Health and Genetics/Laboratory Corporation of America, LabCorp
Classification: Pathogenic for Fabry disease. Last evaluated: 2019-06-19. Review status: criteria provided, single submitter. Criteria: LabCorp Variant Classification Summary - May 2015. Collection method: clinical testing. Allele origin: germline.
Comment: Variant summary: GLA c.830G>A (p.Trp277X) results in a premature termination codon, predicted to cause a truncation of the encoded protein or absence of the protein due to nonsense mediated decay, which are commonly known mechanisms for disease. Truncations downstream of this position have been classified as pathogenic by our laboratory. The variant was absent in 183402 control chromosomes (gnomAD). c.830G>A has been reported in the literature in multiple individuals affected with Classic Fabry Disease (Topaloglu_1999, Nakano_2015, Sivley_2018). These data indicate that the variant is very likely to be associated with disease. To our knowledge, no experimental evidence demonstrating an impact on protein function has been reported. A ClinVar submission from a clinical diagnostic laboratory (evaluation after 2014) cites the variant as pathogenic. Based on the evidence outlined above, the variant was classified as pathogenic.

Eurofins Ntd Llc (ga)
Classification: Pathogenic. Last evaluated: 2017-11-01. Review status: criteria provided, single submitter. Criteria: EGL Classification Definitions 2015. Collection method: clinical testing. Allele origin: germline. Observed: 11 variant alleles, 8 heterozygotes, 1 homozygote, 2 hemizygotes.

Literature cited by the submitters: PubMed 10666480 (cited by 3 submitters); PubMed 37940383 (cited by Genomenon, Inc); PubMed 12175777 (cited by Labcorp Genetics (formerly Invitae), Labcorp); PubMed 28500230 (cited by Women's Health and Genetics/Laboratory Corporation of America, LabCorp); PubMed 26083343 (cited by Women's Health and Genetics/Laboratory Corporation of America, LabCorp).

NM_000169.3(GLA):c.830G>A (p.Trp277Ter)

Genes: GLA (galactosidase alpha; minus strand), RPL36A-HNRNPH2 (RPL36A-HNRNPH2 readthrough; plus strand). Cytogenetic location: Xq22.1.
Variant type: single nucleotide variant.
Coding change: c.830G>A on transcript NM_000169.3 (MANE Select); coding-DNA position 830, G replaced by A.
Protein change: p.Trp277Ter; replaces tryptophan 277 with a stop codon.
Molecular consequence: nonsense. On other transcripts: non-coding transcript variant (3), intron variant (2).
Genome position (GRCh38, 1-based): chrX:101,398,539, C>T on the plus strand (G>A on the coding strand, the complement: GLA is on the minus strand). VCF-style: chrX-101398539-C-T. GRCh37 (hg19) VCF-style: chrX-100653527-C-T.
Other names: c.953G>A, p.Trp318Ter (NM_001406747.1); c.830G>A, p.Trp277Ter (NM_001406748.1); c.300+3082C>T (NM_001199973.2); c.177+6717C>T (NM_001199974.2); short protein forms W277*, W318*.
Identifiers: ClinVar variation 280973 (VCV000280973.18), dbSNP rs886044766, ClinGen allele CA10603765.